The following is an entry in ClinVar:

ClinVar aggregate classification (germline): Benign/Likely benign. Review status: criteria provided, multiple submitters, no conflicts (2 of 4 stars). 3 submissions from 3 submitters: Benign (2); Likely benign (1). Last evaluated 2026-01-27.

Conditions:
Primary ciliary dyskinesia. Also called: Ciliary dyskinesia. Identifiers: Orphanet 244, MedGen C0008780, MONDO:0016575, HP:0012265.

Allele frequency attached by ClinVar (database versions not stated): ESP Exome Variant Server 0.00431; gnomAD 0.00467 and 0.00470; 1000 Genomes Project 30x 0.00687; 1000 Genomes Project 0.00739.
gnomAD v4.1: 2,633 of 1,613,392 alleles (0.16%); highest among the groups gnomAD compares: East Asian, 1.7%; 19 homozygotes.

Submissions (3):

Labcorp Genetics (formerly Invitae), Labcorp
Classification: Benign for Primary ciliary dyskinesia. Last evaluated: 2026-01-27. Review status: criteria provided, single submitter. Criteria: Invitae Variant Classification Sherloc (09022015). Collection method: clinical testing. Allele origin: germline.

GeneDx
Classification: Likely benign. Last evaluated: 2021-02-17. Review status: criteria provided, single submitter. Criteria: GeneDx Variant Classification Process June 2021. Collection method: clinical testing. Allele origin: germline. Affected: yes.
Comment: See Variant Classification Assertion Criteria.

PreventionGenetics, part of Exact Sciences
Classification: Benign. Review status: criteria provided, single submitter. Criteria: ACMG Guidelines, 2015. Collection method: clinical testing. Allele origin: germline.

NM_023036.6(DNAI2):c.865-18C>T

Gene: DNAI2 (dynein axonemal intermediate chain 2; plus strand). Cytogenetic location: 17q25.1.
Variant type: single nucleotide variant.
Coding change: c.865-18C>T on transcript NM_023036.6 (MANE Select); 18 bases into the intron before coding-DNA position 865, C replaced by T.
Molecular consequence: intron variant.
Genome position (GRCh38, 1-based): chr17:74,301,028, C>T. VCF-style: chr17-74301028-C-T. GRCh37 (hg19) VCF-style: chr17-72297167-C-T.
Other names: c.865-18C>T (NM_001353167.2, NM_001172810.3).
Identifiers: ClinVar variation 261657 (VCV000261657.12), dbSNP rs117075898, ClinGen allele CA8745528.